The following is an entry in ClinVar:

NM_001385682.1(MAP4):c.5760C>T (p.Pro1920=)

Gene: MAP4 (microtubule associated protein 4; minus strand). Cytogenetic location: 3p21.31.
Variant type: single nucleotide variant.
Coding change: c.5760C>T on transcript NM_001385682.1 (MANE Select); coding-DNA position 5760, C replaced by T.
Protein change: p.Pro1920=; no amino-acid change (proline 1920 retained).
Molecular consequence: synonymous variant.
Genome position (GRCh38, 1-based): chr3:47,872,098, G>A on the plus strand (C>T on the coding strand, the complement: MAP4 is on the minus strand). VCF-style: chr3-47872098-G-A. GRCh37 (hg19) VCF-style: chr3-47913588-G-A.
Other names: c.2325C>T, p.Pro775= (NM_001134364.2, NM_001384676.1, NM_001384677.1 and 20 more transcripts); c.2202C>T, p.Pro734= (NM_001384675.1, NM_001384681.1, NM_001384755.1 and 7 more transcripts); c.2361C>T, p.Pro787= (NM_001384678.1, NM_001384738.1, NM_001384748.1 and 3 more transcripts); c.2376C>T, p.Pro792= (NM_001384679.1, NM_001384731.1, NM_001384736.1 and 6 more transcripts); c.2019C>T, p.Pro673= (NM_001384680.1); c.2127C>T, p.Pro709= (NM_001384707.1, NM_001384759.1, NM_001384850.1); c.2256C>T, p.Pro752= (NM_001384730.1, NM_001384777.1, NM_001384782.1 and 6 more transcripts); c.2250C>T, p.Pro750= (NM_001384733.1, NM_001384737.1, NM_001384761.1 and 2 more transcripts); and 34 more.
Identifiers: ClinVar variation 3040424 (VCV003040424.2), dbSNP rs141252938, ClinGen allele CA2370877.

ClinVar aggregate classification (germline): Likely benign (0 of 4 stars; one submission).

Conditions:
MAP4-related disorder. Also called: MAP4-related condition.

Allele frequency attached by ClinVar (database versions not stated): gnomAD exomes 0.00013; 1000 Genomes Project 30x 0.00094; 1000 Genomes Project 0.00080; ESP Exome Variant Server 0.00177; TOPMed 0.00144; gnomAD 0.00135; ExAC 0.00039.
gnomAD v4.1: 416 of 1,606,144 alleles (0.026%); highest among the groups gnomAD compares: African/African-American, 0.48%; 3 homozygotes.

Submission:

PreventionGenetics, part of Exact Sciences
Classification: Likely benign for MAP4-related condition. Last evaluated: 2019-10-28. Review status: no assertion criteria provided. Collection method: clinical testing. Allele origin: germline.
Comment: This variant is classified as likely benign based on ACMG/AMP sequence variant interpretation guidelines (Richards et al. 2015 PMID: 25741868, with internal and published modifications).